The following is an entry in ClinVar:

NM_020223.4(FAM20C):c.564C>G (p.Ser188Arg)

Gene: FAM20C (FAM20C golgi associated secretory pathway kinase; plus strand). Cytogenetic location: 7p22.3.
Variant type: single nucleotide variant.
Coding change: c.564C>G on transcript NM_020223.4 (MANE Select); coding-DNA position 564, C replaced by G.
Protein change: p.Ser188Arg; replaces serine 188 with arginine.
Molecular consequence: missense variant.
Genome position (GRCh38, 1-based): chr7:193,763, C>G. VCF-style: chr7-193763-C-G. GRCh37 (hg19) VCF-style: chr7-193763-C-G.
Other names: c.564C>G (NM_020223.2); short protein forms S188R.
Identifiers: ClinVar variation 2183912 (VCV002183912.3), dbSNP rs761779092, ClinGen allele CA152256961.

ClinVar aggregate classification (germline): Uncertain significance. Review status: criteria provided, multiple submitters, no conflicts (2 of 4 stars). 2 submissions from 2 submitters: Uncertain significance (2). Last evaluated 2024-08-28.

Conditions:
Inborn genetic diseases. Identifiers: MedGen C0950123, MeSH D030342.

Allele frequency attached by ClinVar (database versions not stated): gnomAD 0.00001; gnomAD exomes 0.00002; TOPMed 0.00002.
gnomAD v4.1: 36 of 1,550,264 alleles (0.0023%); highest among the groups gnomAD compares: South Asian, 0.0095%; no homozygotes.

Submissions (2):

Ambry Genetics
Classification: Uncertain significance for Inborn genetic diseases. Last evaluated: 2024-08-28. Review status: criteria provided, single submitter. Criteria: Ambry Variant Classification Scheme 2023. Collection method: clinical testing. Allele origin: germline.

Labcorp Genetics (formerly Invitae), Labcorp
Classification: Uncertain significance. Last evaluated: 2022-07-07. Review status: criteria provided, single submitter. Criteria: Invitae Variant Classification Sherloc (09022015). Collection method: clinical testing. Allele origin: germline.
Comment: This variant is present in population databases (rs761779092, gnomAD 0.009%). This sequence change replaces serine, which is neutral and polar, with arginine, which is basic and polar, at codon 188 of the FAM20C protein (p.Ser188Arg). This variant has not been reported in the literature in individuals affected with FAM20C-related conditions. In summary, the available evidence is currently insufficient to determine the role of this variant in disease. Therefore, it has been classified as a Variant of Uncertain Significance. Algorithms developed to predict the effect of missense changes on protein structure and function are either unavailable or do not agree on the potential impact of this missense change (SIFT: "Tolerated"; PolyPhen-2: "Possibly Damaging"; Align-GVGD: "Class C0").